The following is an entry in ClinVar:

ClinVar aggregate classification (germline): Uncertain significance (1 of 4 stars; one submission).

Allele frequency attached by ClinVar (database versions not stated): gnomAD exomes below 0.00001.
gnomAD v4.1: 3 of 1,613,776 alleles (0.00019%); highest among the groups gnomAD compares: Non-Finnish European, 0.00025%; no homozygotes.

Submission:

GeneDx
Classification: Uncertain significance. Last evaluated: 2021-11-26. Review status: criteria provided, single submitter. Criteria: GeneDx Variant Classification Process June 2021. Collection method: clinical testing. Allele origin: germline. Affected: yes.
Comment: Not observed in large population cohorts (Lek et al., 2016); In silico analysis, which includes protein predictors and evolutionary conservation, supports a deleterious effect; Has not been previously published as pathogenic or benign to our knowledge

NM_001042492.3(NF1):c.146A>G (p.Tyr49Cys)

Gene: NF1 (neurofibromin 1; plus strand). Cytogenetic location: 17q11.2.
Variant type: single nucleotide variant.
Coding change: c.146A>G on transcript NM_001042492.3 (MANE Select); coding-DNA position 146, A replaced by G.
Protein change: p.Tyr49Cys; replaces tyrosine 49 with cysteine.
Molecular consequence: missense variant.
Genome position (GRCh38, 1-based): chr17:31,156,068, A>G. VCF-style: chr17-31156068-A-G. GRCh37 (hg19) VCF-style: chr17-29483086-A-G.
Other names: c.146A>G, p.Tyr49Cys (NM_000267.4, NM_001128147.3); short protein forms Y49C.
Identifiers: ClinVar variation 1317012 (VCV001317012.3), dbSNP rs2143626634, ClinGen allele CA398988466.